The following is an entry in ClinVar:

ClinVar aggregate classification (germline): Uncertain significance (1 of 4 stars; one submission).

Submission:

Labcorp Genetics (formerly Invitae), Labcorp
Classification: Uncertain significance. Last evaluated: 2022-07-06. Review status: criteria provided, single submitter. Criteria: Invitae Variant Classification Sherloc (09022015). Collection method: clinical testing. Allele origin: germline.
Comment: Algorithms developed to predict the effect of missense changes on protein structure and function are either unavailable or do not agree on the potential impact of this missense change (SIFT: "Deleterious"; PolyPhen-2: "Possibly Damaging"; Align-GVGD: "Class C15"). In summary, the available evidence is currently insufficient to determine the role of this variant in disease. Therefore, it has been classified as a Variant of Uncertain Significance. ClinVar contains an entry for this variant (Variation ID: 1481660). This variant has not been reported in the literature in individuals affected with LZTFL1-related conditions. This variant is not present in population databases (gnomAD no frequency). This sequence change replaces leucine, which is neutral and non-polar, with phenylalanine, which is neutral and non-polar, at codon 248 of the LZTFL1 protein (p.Leu248Phe).

NM_020347.4(LZTFL1):c.742C>T (p.Leu248Phe)

Gene: LZTFL1 (leucine zipper transcription factor like 1; minus strand). Cytogenetic location: 3p21.31.
Variant type: single nucleotide variant.
Coding change: c.742C>T on transcript NM_020347.4 (MANE Select); coding-DNA position 742, C replaced by T.
Protein change: p.Leu248Phe; replaces leucine 248 with phenylalanine.
Molecular consequence: missense variant. On other transcripts: non-coding transcript variant (1).
Genome position (GRCh38, 1-based): chr3:45,828,474, G>A on the plus strand (C>T on the coding strand, the complement: LZTFL1 is on the minus strand). VCF-style: chr3-45828474-G-A. GRCh37 (hg19) VCF-style: chr3-45869966-G-A.
Other names: c.691C>T, p.Leu231Phe (NM_001276378.2, NM_001386451.1); c.730C>T, p.Leu244Phe (NM_001276379.2); c.742C>T, p.Leu248Phe (NM_001386452.1); short protein forms L231F, L244F, L248F.
Identifiers: ClinVar variation 1481660 (VCV001481660.6), dbSNP rs2125676540, ClinGen allele CA352447759.
Genomic context (GRCh38, chr3:45,828,474, plus strand): 5'-AATCCCTTAAACATGGTCTTCTGACCTTTTCAGCCATGTGCAGCTGCTCCTGAACCCTGA[G>A]TAGATCGTGCTTGGCTGTCGCCAGATTCTCCTCCAGTGACTTCTGGTTTTCTGTCTTGTC-3'
Protein context (NP_065080.1, residues 238-258): ENLATAKHDL[Leu248Phe]RVQEQLHMAE